The following is an entry in ClinVar:

ClinVar aggregate classification (germline): Likely pathogenic (1 of 4 stars; one submission).

Conditions:
Malan overgrowth syndrome (MALNS). Also called: MALAN SYNDROME; NFIX-Related Malan Syndrome; Sotos syndrome 2. Identifiers: Orphanet 420179, MedGen C3553660, MONDO:0013885, OMIM 614753.

Submission:

Juno Genomics, Hangzhou Juno Genomics, Inc
Classification: Likely pathogenic for Malan overgrowth syndrome. Review status: criteria provided, single submitter. Criteria: ACMG Guidelines, 2015. Collection method: clinical testing. Allele origin: germline. Affected: yes.
Comment: Absent from controls (or at extremely low frequency if recessive) in Genome Aggregation Database, Exome Sequencing Project, 1000 Genomes Project, or Exome Aggregation Consortium.;Null variant in a gene where loss of function (LOF) is a known mechanism of disease.

NM_001365902.3(NFIX):c.170dup (p.Asp58fs)

Gene: NFIX (nuclear factor I X; plus strand). Cytogenetic location: 19p13.13.
Variant type: Duplication.
Coding change: c.170dup on transcript NM_001365902.3 (MANE Select); coding-DNA position 170, one base duplicated (A; older notation c.170dupA).
Protein change: p.Asp58fs; shifts the reading frame from aspartic acid 58.
Molecular consequence: frameshift variant.
Genome position (GRCh38, 1-based): chr19:13,025,163, A duplicated; the last of 2 consecutive A bases (chr19:13,025,162-13,025,163); duplicating either gives the same sequence. VCF-style (leftmost placement, unchanged base first): chr19-13025161-G-GA. GRCh37 (hg19) VCF-style: chr19-13135975-G-GA.
Other names: c.194dup, p.Asp66fs (NM_001271043.2); c.146dup, p.Asp50fs (NM_001271044.3, NM_001378404.1, NM_001440616.1 and 1 more transcripts); c.167dup, p.Asp57fs (NM_001365985.2, NM_001365984.2); c.218dup, p.Asp74fs (NM_001378405.1); c.170dup, p.Asp58fs (NM_001365982.2, NM_002501.4); c.29dup, p.Asp11fs (NM_001365983.2); short protein forms D11fs, D50fs, D57fs, D58fs, D66fs, D74fs.
Identifiers: ClinVar variation 4796534 (VCV004796534.1).